The following is an entry in ClinVar:

NC_000014.9:g.(?_22812880)_(22813418_?)del

Gene: SLC7A7 (solute carrier family 7 member 7; minus strand). Cytogenetic location: 14q11.2.
Variant type: Deletion.
Identifiers: ClinVar variation 833005 (VCV000833005.4).

ClinVar aggregate classification (germline): Pathogenic (1 of 4 stars; one submission).

Conditions:
Lysinuric protein intolerance (LPI). Identifiers: Orphanet 470, MedGen C0268647, MONDO:0009109, OMIM 222700.

Submission:

Labcorp Genetics (formerly Invitae), Labcorp
Classification: Pathogenic for Lysinuric protein intolerance. Last evaluated: 2019-05-28. Review status: criteria provided, single submitter. Criteria: Invitae Variant Classification Sherloc (09022015). Collection method: clinical testing. Allele origin: germline.
Comment: This variant is a gross deletion of the genomic region encompassing exon 3 of the SLC7A7 gene, which includes the initiator codon. The 5' end of this event is unknown as it extends beyond the assayed region for this gene and therefore may encompass additional genes. The 3' boundary is likely confined to intron 3 of the SLC7A7 gene. This is expected to result in an absent or disrupted protein product. This variant has not been reported in the literature in individuals with SLC7A7-related conditions. Loss-of-function variants in SLC7A7 are known to be pathogenic (PMID: 10631139, 17764084). For these reasons, this variant has been classified as Pathogenic.

Literature cited by the submitters: PubMed 10631139; PubMed 17764084.